The following is an entry in ClinVar:

ClinVar aggregate classification (germline): Uncertain significance (1 of 4 stars; one submission).

Conditions:
Succinate-semialdehyde dehydrogenase deficiency (SSADHD). Also called: 4-HYDROXYBUTYRIC ACIDURIA; GABA METABOLIC DEFECT; Succinic Semialdehyde Dehydrogenase Deficiency; SSADH DEFICIENCY. Identifiers: Orphanet 22, MedGen C0268631, MONDO:0010083, OMIM 271980.

Submission:

Labcorp Genetics (formerly Invitae), Labcorp
Classification: Uncertain significance for Succinate-semialdehyde dehydrogenase deficiency. Last evaluated: 2024-10-15. Review status: criteria provided, single submitter. Criteria: Invitae Variant Classification Sherloc (09022015). Collection method: clinical testing. Allele origin: germline.
Comment: This sequence change replaces aspartic acid, which is acidic and polar, with asparagine, which is neutral and polar, at codon 92 of the ALDH5A1 protein (p.Asp92Asn). This variant is not present in population databases (gnomAD no frequency). This variant has not been reported in the literature in individuals affected with ALDH5A1-related conditions. ClinVar contains an entry for this variant (Variation ID: 2115014). Invitae Evidence Modeling of protein sequence and biophysical properties (such as structural, functional, and spatial information, amino acid conservation, physicochemical variation, residue mobility, and thermodynamic stability) indicates that this missense variant is not expected to disrupt ALDH5A1 protein function with a negative predictive value of 80%. In summary, the available evidence is currently insufficient to determine the role of this variant in disease. Therefore, it has been classified as a Variant of Uncertain Significance.

NM_001080.3(ALDH5A1):c.274G>A (p.Asp92Asn)

Genes: GPLD1 (glycosylphosphatidylinositol specific phospholipase D1; minus strand), ALDH5A1 (aldehyde dehydrogenase 5 family member A1; plus strand), LOC129995978 (ATAC-STARR-seq lymphoblastoid silent region 16989; plus strand). Cytogenetic location: 6p22.3.
Variant type: single nucleotide variant.
Coding change: c.274G>A on transcript NM_001080.3 (MANE Select); coding-DNA position 274, G replaced by A.
Protein change: p.Asp92Asn; replaces aspartic acid 92 with asparagine.
Molecular consequence: missense variant.
Genome position (GRCh38, 1-based): chr6:24,495,270, G>A. VCF-style: chr6-24495270-G-A. GRCh37 (hg19) VCF-style: chr6-24495498-G-A.
Other names: c.274G>A, p.Asp92Asn (NM_001368954.1, NM_170740.1); short protein forms D92N.
Identifiers: ClinVar variation 2115014 (VCV002115014.4), dbSNP rs2532812764, ClinGen allele CA362968577.